The following is an entry in ClinVar:

ClinVar aggregate classification (germline): Conflicting classifications of pathogenicity. Review status: criteria provided, conflicting classifications (1 of 4 stars). 3 submissions from 3 submitters: Pathogenic (1); Uncertain significance (2). Last evaluated 2022-01-12.

Conditions:
Hearing impairment. Also called: Impaired Hearing. Identifiers: MedGen C1384666, MONDO:0005365, HP:0000365.

Submissions (3):

GeneDx
Classification: Uncertain significance. Last evaluated: 2022-01-12. Review status: criteria provided, single submitter. Criteria: GeneDx Variant Classification Process June 2021. Collection method: clinical testing. Allele origin: germline. Affected: yes.
Comment: Not observed at significant frequency in large population cohorts (gnomAD); In silico analysis supports a deleterious effect on splicing; Has not been previously published as pathogenic or benign to our knowledge

Genetic Services Laboratory, University of Chicago
Classification: Uncertain significance. Last evaluated: 2015-04-01. Review status: criteria provided, single submitter. Criteria: ACMG Guidelines, 2015. Collection method: clinical testing. Allele origin: germline.

National Institute on Deafness and Communication Disorders, National Institutes of Health
Classification: Pathogenic for Hearing impairment. Review status: criteria provided, single submitter. Criteria: ClinGen HL ACMG Specifications v1. Collection method: research. Allele origin: germline. Inheritance: Autosomal recessive inheritance. Affected: yes. Observed: 1 compound heterozygote.
Comment: LRP2: c.7715+3A>T was observed in compound heterozygosity with c.11798 A>G in Family 2. PVS1, PM2, PP3, PP4

NM_004525.3(LRP2):c.7715+3A>T

Gene: LRP2 (LDL receptor related protein 2; minus strand). Cytogenetic location: 2q31.1.
Variant type: single nucleotide variant.
Coding change: c.7715+3A>T on transcript NM_004525.3 (MANE Select); 3 bases into the intron after coding-DNA position 7715, A replaced by T.
Molecular consequence: intron variant.
Genome position (GRCh38, 1-based): chr2:169,205,476, T>A on the plus strand (A>T on the coding strand, the complement: LRP2 is on the minus strand). VCF-style: chr2-169205476-T-A. GRCh37 (hg19) VCF-style: chr2-170061986-T-A.
Identifiers: ClinVar variation 211401 (VCV000211401.10), dbSNP rs797045684, ClinGen allele CA208359.